The following is an entry in ClinVar:

ClinVar aggregate classification (germline): Benign/Likely benign. Review status: criteria provided, multiple submitters, no conflicts (2 of 4 stars). 12 submissions from 12 submitters: Benign (7); Likely benign (2). 3 of the submissions do not count toward it. Last evaluated 2026-02-10.

Conditions:
Fanconi anemia complementation group P. Also called: SLX4-Related Fanconi Anemia. Identifiers: Orphanet 84, MedGen C3469542, MONDO:0013499, OMIM 613951.
Fanconi anemia (FA). Also called: Fanconi's anemia. Identifiers: Orphanet 84, MedGen C0015625, MeSH D005199, MONDO:0019391.

Allele frequency attached by ClinVar (database versions not stated): gnomAD 0.01743 and 0.01879; 1000 Genomes Project 0.01797; TOPMed 0.01876; ESP Exome Variant Server 0.01816; 1000 Genomes Project 30x 0.01983.
gnomAD v4.1: 8,011 of 1,614,066 alleles (0.5%); highest among the groups gnomAD compares: African/African-American, 5.5%; 141 homozygotes.

Submissions (12):

Dasa
Classification: Benign. Last evaluated: 2026-02-10. Review status: criteria provided, single submitter. Criteria: DASA Assertion Criteria. Collection method: clinical testing. Allele origin: germline.
Comment: NM_032444.4(SLX4):c.2824G>C (p.Glu942Gln) is a missense variant that results in the substitution of glutamic acid with glutamine. Population frequency is inconsistent with a disease-causing role for this variant, observations in unaffected individuals support a benign interpretation, and the variant context is inconsistent with a known disease-causing mechanism. Computational prediction algorithms are consistent with a benign effect. Therefore, based on the currently available evidence, this variant is classified as benign.

Labcorp Genetics (formerly Invitae), Labcorp
Classification: Benign for Fanconi anemia. Last evaluated: 2026-02-03. Review status: criteria provided, single submitter. Criteria: Invitae Variant Classification Sherloc (09022015). Collection method: clinical testing. Allele origin: germline.

ARUP Laboratories, Molecular Genetics and Genomics, ARUP Laboratories
Classification: Benign for Fanconi anemia complementation group P. Last evaluated: 2024-02-22. Review status: criteria provided, single submitter. Criteria: ARUP Molecular Germline Variant Investigation Process 2024. Collection method: clinical testing. Allele origin: germline.

KCCC/NGS Laboratory, Kuwait Cancer Control Center
Classification: Benign for Fanconi anemia complementation group P. Last evaluated: 2023-07-07. Review status: criteria provided, single submitter. Criteria: ACMG Guidelines, 2015. Collection method: clinical testing. Allele origin: germline. Affected: yes.

GeneDx
Classification: Benign. Last evaluated: 2019-03-24. Review status: criteria provided, single submitter. Criteria: GeneDx Variant Classification Process June 2021. Collection method: clinical testing. Allele origin: germline. Affected: yes.

Illumina Laboratory Services, Illumina
Classification: Benign for Fanconi anemia complementation group P. Last evaluated: 2018-01-12. Review status: criteria provided, single submitter. Criteria: ICSL Variant Classification Criteria 13 December 2019. Collection method: clinical testing. Allele origin: germline.
Comment: This variant was observed in the ICSL laboratory as part of a predisposition screen in an ostensibly healthy population. It had not been previously curated by ICSL or reported in the Human Gene Mutation Database (HGMD: prior to June 1st, 2018), and was therefore a candidate for classification through an automated scoring system. Utilizing variant allele frequency, disease prevalence and penetrance estimates, and inheritance mode, an automated score was calculated to assess if this variant is too frequent to cause the disease. Based on the score and internal cut-off values, a variant classified as benign is not then subjected to further curation. The score for this variant resulted in a classification of benign for this disease.

Center for Pediatric Genomic Medicine, Children's Mercy Hospital and Clinics
Classification: Likely benign. Last evaluated: 2015-08-24. Review status: criteria provided, single submitter. Criteria: ACMG Guidelines, 2015. Collection method: clinical testing. Allele origin: germline.
ClinVar note: Converted during submission from Likely Benign to Likely benign.

Breakthrough Genomics
Classification: Likely benign. Review status: criteria provided, single submitter. Criteria: ACMG Guidelines, 2015. Collection method: not provided. Allele origin: germline. Inheritance: Autosomal recessive inheritance. Affected: yes.

PreventionGenetics, part of Exact Sciences
Classification: Benign. Review status: criteria provided, single submitter. Criteria: ACMG Guidelines, 2015. Collection method: clinical testing. Allele origin: germline.

Leiden Open Variation Database
Classification: Likely benign. Last evaluated: 2012-08-31. Review status: no assertion criteria provided. Collection method: curation. Allele origin: germline. Affected: yes. Not counted in ClinVar's aggregate classification.
Comment: Curator: Arleen D. Auerbach. Submitter to LOVD: Janine Bakker.

Genome Diagnostics Laboratory, Amsterdam University Medical Center
Classification: Benign. Review status: no assertion criteria provided. Collection method: clinical testing. Allele origin: germline. Affected: yes. Study: VKGL Data-share Consensus. Not counted in ClinVar's aggregate classification.

Laboratory of Diagnostic Genome Analysis, Leiden University Medical Center (LUMC)
Classification: Likely benign. Review status: no assertion criteria provided. Collection method: clinical testing. Allele origin: germline. Affected: yes. Study: VKGL Data-share Consensus. Not counted in ClinVar's aggregate classification.

Literature cited by the submitters: PubMed 22911665 (cited by Leiden Open Variation Database).

NM_032444.4(SLX4):c.2824G>C (p.Glu942Gln)

Gene: SLX4 (SLX4 structure-specific endonuclease subunit; minus strand). Cytogenetic location: 16p13.3.
Variant type: single nucleotide variant.
Coding change: c.2824G>C on transcript NM_032444.4 (MANE Select); coding-DNA position 2824, G replaced by C.
Protein change: p.Glu942Gln; replaces glutamic acid 942 with glutamine.
Molecular consequence: missense variant.
Genome position (GRCh38, 1-based): chr16:3,590,814, C>G on the plus strand (G>C on the coding strand, the complement: SLX4 is on the minus strand). VCF-style: chr16-3590814-C-G. GRCh37 (hg19) VCF-style: chr16-3640815-C-G.
Other names: c.2824G>C (LRG_503t1, NM_032444.3); short protein forms E942Q.
Identifiers: ClinVar variation 235273 (VCV000235273.26), dbSNP rs114014006, ClinGen allele CA7866061.
Genomic context (GRCh38, chr16:3,590,814, plus strand): 5'-AAGGGCTGGAGCAGCTGGAATGGCCAAGCGCCTCCTCTGGCGCCTCCTGCTCAGGGGCCT[C>G]TGCTCCCCGTGCCCCTGAGTGCTGGCCCTGGGGTGGCGGGAGAGCGCACTGTCCCATCTT-3'
Protein context (NP_115820.2, residues 932-952): QGQHSGARGA[Glu942Gln]APEQEAPEEA